The following is an entry in ClinVar:

ClinVar aggregate classification (germline): Uncertain significance (1 of 4 stars; one submission).

Conditions:
Optic atrophy 3 (OPA3). Also called: Optic atrophy 3 with cataract; OPTIC ATROPHY 3, AUTOSOMAL DOMINANT; Optic atrophy, cataract, and neurologic disorder. Identifiers: Orphanet 67036, MedGen C1833809, MONDO:0008133, OMIM 165300.
3-Methylglutaconic aciduria type 3 (MGCA3). Also called: OPA3-Related 3-Methylglutaconic Aciduria; Costeff Syndrome; OPA3, AUTOSOMAL RECESSIVE; OPTIC ATROPHY 3, AUTOSOMAL RECESSIVE. Identifiers: Orphanet 67047, MedGen C0574084, MONDO:0009787, OMIM 258501.

Submission:

Labcorp Genetics (formerly Invitae), Labcorp
Classification: Uncertain significance for 3-Methylglutaconic aciduria type 3; Optic atrophy 3. Last evaluated: 2025-06-20. Review status: criteria provided, single submitter. Criteria: Invitae Variant Classification Sherloc (09022015). Collection method: clinical testing. Allele origin: germline.
Comment: This sequence change replaces leucine, which is neutral and non-polar, with valine, which is neutral and non-polar, at codon 43 of the OPA3 protein (p.Leu43Val). This variant is not present in population databases (gnomAD no frequency). This variant has not been reported in the literature in individuals affected with OPA3-related conditions. ClinVar contains an entry for this variant (Variation ID: 1383964). An algorithm developed to predict the effect of missense changes on protein structure and function (PolyPhen-2) suggests that this variant is likely to be tolerated. In summary, the available evidence is currently insufficient to determine the role of this variant in disease. Therefore, it has been classified as a Variant of Uncertain Significance.

NM_025136.4(OPA3):c.127C>G (p.Leu43Val)

Genes: OPA3 (outer mitochondrial membrane lipid metabolism regulator OPA3; minus strand), OPA3-RTN2 (OPA3-RTN2 readthrough; minus strand). Cytogenetic location: 19q13.32.
Variant type: single nucleotide variant.
Coding change: c.127C>G on transcript NM_025136.4 (MANE Select); coding-DNA position 127, C replaced by G.
Protein change: p.Leu43Val; replaces leucine 43 with valine.
Molecular consequence: missense variant.
Genome position (GRCh38, 1-based): chr19:45,584,638, G>C on the plus strand (C>G on the coding strand, the complement: OPA3 is on the minus strand). VCF-style: chr19-45584638-G-C. GRCh37 (hg19) VCF-style: chr19-46087896-G-C.
Other names: c.127C>G, p.Leu43Val (NM_001017989.3); short protein forms L43V.
Identifiers: ClinVar variation 1383964 (VCV001383964.6), dbSNP rs2122529195, ClinGen allele CA406378165.